The following is an entry in ClinVar:

ClinVar aggregate classification (germline): Benign. Review status: criteria provided, multiple submitters, no conflicts (2 of 4 stars). 22 submissions from 22 submitters: Benign (18). 4 of the submissions do not count toward it. Last evaluated 2026-02-04.

Conditions:
Cardiac arrhythmia. Also called: Cardiac rhythm disease; Arrhythmia. Identifiers: MedGen C0003811, MONDO:0007263, HP:0011675.
Cardiovascular phenotype. Identifiers: MedGen CN230736.
Atrial fibrillation. Identifiers: MedGen C0004238, MONDO:0004981, HP:0005110.
Long QT syndrome 2 (LQT2). Identifiers: Orphanet 101016, Orphanet 768, MedGen C3150943, MONDO:0013367, OMIM 613688.
Short QT syndrome type 1. Identifiers: Orphanet 51083, MedGen C1865020, MONDO:0012312, OMIM 609620.
Long QT syndrome (LQTS). Identifiers: MedGen C0023976, MeSH D008133, MONDO:0002442. Disease mechanism: loss of function. Inheritance: Various modes of inheritance.

Allele frequency attached by ClinVar (database versions not stated): 1000 Genomes Project 30x 0.13210; 1000 Genomes Project 0.13618; TOPMed 0.15466; ESP Exome Variant Server 0.16908; ExAC 0.18715; gnomAD 0.20937 and 0.20300.
gnomAD v4.1: 342,931 of 1,097,454 alleles (31%); highest among the groups gnomAD compares: Non-Finnish European, 35%; 40,089 homozygotes.

Submissions (22):

Labcorp Genetics (formerly Invitae), Labcorp
Classification: Benign for Long QT syndrome. Last evaluated: 2026-02-04. Review status: criteria provided, single submitter. Criteria: Invitae Variant Classification Sherloc (09022015). Collection method: clinical testing. Allele origin: germline.

ARUP Laboratories, Molecular Genetics and Genomics, ARUP Laboratories
Classification: Benign. Last evaluated: 2025-07-28. Review status: criteria provided, single submitter. Criteria: ARUP Molecular Germline Variant Investigation Process 2024. Collection method: clinical testing. Allele origin: germline.

Molecular Diagnostic Laboratory for Inherited Cardiovascular Disease, Montreal Heart Institute
Classification: Benign. Last evaluated: 2025-04-08. Review status: criteria provided, single submitter. Criteria: ACMG Guidelines, 2015. Collection method: clinical testing. Allele origin: germline. Affected: no.

Blueprint Genetics
Classification: Benign. Last evaluated: 2024-11-27. Review status: criteria provided, single submitter. Criteria: ACMG Guidelines, 2015. Collection method: clinical testing. Allele origin: germline.

All of Us Research Program, National Institutes of Health
Classification: Benign for Long QT syndrome. Last evaluated: 2024-10-03. Review status: criteria provided, single submitter. Criteria: ACMG Guidelines, 2015. Collection method: clinical testing. Allele origin: germline. Inheritance: Autosomal dominant inheritance. Observed: 51,373 variant alleles, 44,856 heterozygotes, 6,504 homozygotes, 13 hemizygotes.
Comment: This study involves interpretation of variants in research participants for the purpose of population health screening. Participant phenotype was not available at the time of variant classification. Additional details can be found in publication PMID: 35346344, PMCID: PMC8962531

Genome-Nilou Lab
Classification: Benign for Long QT syndrome 2. Last evaluated: 2021-08-19. Review status: criteria provided, single submitter. Criteria: ACMG Guidelines, 2015. Collection method: clinical testing. Allele origin: germline. Affected: no.

Fulgent Genetics
Classification: Benign for Short QT syndrome type 1; Long QT syndrome 2. Last evaluated: 2021-07-22. Review status: criteria provided, single submitter. Criteria: ACMG Guidelines, 2015. Collection method: clinical testing. Allele origin: unknown.

GeneDx
Classification: Benign. Last evaluated: 2020-03-10. Review status: criteria provided, single submitter. Criteria: GeneDx Variant Classification Process June 2021. Collection method: clinical testing. Allele origin: germline. Affected: yes.
Comment: This variant is associated with the following publications: (PMID: 20215044, 19019189, 28336205, 31557540, 31522018, 29874175, 18222980, 14499861, 20181576, 26846766, 27153395, 16472284, 10862094, 23303164, 26109178, 22949429, 18791070, 22338672, 16116052, 21164565, 24388587, 12829173, 21831960, 14975928)

Ambry Genetics
Classification: Benign for Cardiovascular phenotype. Last evaluated: 2019-05-08. Review status: criteria provided, single submitter. Criteria: Ambry Variant Classification Scheme 2023. Collection method: clinical testing. Allele origin: germline.

Color Diagnostics, LLC DBA Color Health
Classification: Benign for Arrhythmia. Last evaluated: 2018-03-09. Review status: criteria provided, single submitter. Criteria: ACMG Guidelines, 2015. Collection method: clinical testing. Allele origin: germline.

Illumina Laboratory Services, Illumina
Classification: Benign for Long QT syndrome 2. Last evaluated: 2018-03-06. Review status: criteria provided, single submitter. Criteria: ICSL Variant Classification Criteria 13 December 2019. Collection method: clinical testing. Allele origin: germline.
Comment: This variant was observed in the ICSL laboratory as part of a predisposition screen in an ostensibly healthy population. It had not been previously curated by ICSL or reported in the Human Gene Mutation Database (HGMD: prior to June 1st, 2018), and was therefore a candidate for classification through an automated scoring system. Utilizing variant allele frequency, disease prevalence and penetrance estimates, and inheritance mode, an automated score was calculated to assess if this variant is too frequent to cause the disease. Based on the score and internal cut-off values, a variant classified as benign is not then subjected to further curation. The score for this variant resulted in a classification of benign for this disease.

Athena Diagnostics
Classification: Benign. Last evaluated: 2017-04-20. Review status: criteria provided, single submitter. Criteria: Athena Diagnostics Criteria. Collection method: clinical testing. Allele origin: germline.

Laboratory for Molecular Medicine, Mass General Brigham Personalized Medicine
Classification: Benign. Last evaluated: 2016-04-25. Review status: criteria provided, single submitter. Criteria: LMM Criteria. Collection method: clinical testing. Allele origin: germline.
Comment: Variant identified in a genome or exome case(s) and assessed due to predicted null impact of the variant or pathogenic assertions in the literature or databases. Disclaimer: This variant has not undergone full assessment. The following are preliminary notes: Frequency in ESP (all): 2199/13006=16.9%

Stanford Center for Inherited Cardiovascular Disease, Stanford University
Classification: Benign. Last evaluated: 2015-09-16. Review status: criteria provided, single submitter. Criteria: ACMG Guidelines, 2015. Collection method: provider interpretation. Allele origin: germline.

Mayo Clinic Laboratories, Mayo Clinic
Classification: Benign. Last evaluated: 2015-01-02. Review status: criteria provided, single submitter. Criteria: ACMG Guidelines, 2015. Collection method: clinical testing. Allele origin: germline. Observed: 507 variant alleles.

Biesecker Lab/Clinical Genomics Section, National Institutes of Health
Classification: Benign for Atrial fibrillation, association with. Last evaluated: 2013-06-24. Review status: criteria provided, single submitter. Criteria: Ng et al. (Circ Cardiovasc Genet. 2013). Collection method: research. Allele origin: unknown. Observed: 252 variant alleles. Study: ClinSeq.
Comment: The study set was not selected for affection status in relation to any cancer. Pathogenicity categories were based on literature curation. See Pubmed ID:23861362 for details.

Medical sequencing

Breakthrough Genomics
Classification: Benign. Review status: criteria provided, single submitter. Criteria: ACMG Guidelines, 2015. Collection method: not provided. Allele origin: germline. Inheritance: Autosomal dominant inheritance. Affected: yes.

PreventionGenetics, part of Exact Sciences
Classification: Benign. Review status: criteria provided, single submitter. Criteria: ACMG Guidelines, 2015. Collection method: clinical testing. Allele origin: germline.

Cardiovascular Biomedical Research Unit, Royal Brompton & Harefield NHS Foundation Trust
No classification provided. Review status: no classification provided. Collection method: literature only. Allele origin: germline. Not counted in ClinVar's aggregate classification.
Comment: This variant has been reported in the following publications (PMID:10807545;PMID:11997281;PMID:12402336;PMID:12829173;PMID:14661677;PMID:14760488;PMID:15599693;PMID:16116052;PMID:16132053;PMID:16487223;PMID:17161064;PMID:17210839;PMID:18060054;PMID:18222980;PMID:18808722;PMID:19841300).

Clinical Genetics, Academic Medical Center
Classification: Benign. Review status: no assertion criteria provided. Collection method: clinical testing. Allele origin: germline. Affected: yes. Study: VKGL Data-share Consensus. Not counted in ClinVar's aggregate classification.

Diagnostic Laboratory, Department of Genetics, University Medical Center Groningen
Classification: Benign. Review status: no assertion criteria provided. Collection method: clinical testing. Allele origin: germline. Affected: yes. Study: VKGL Data-share Consensus. Not counted in ClinVar's aggregate classification.

Joint Genome Diagnostic Labs from Nijmegen and Maastricht, Radboudumc and MUMC+
Classification: Benign. Review status: no assertion criteria provided. Collection method: clinical testing. Allele origin: germline. Affected: yes. Study: VKGL Data-share Consensus. Not counted in ClinVar's aggregate classification.

Literature cited by the submitters: PubMed 10807545 (cited by Cardiovascular Biomedical Research Unit, Royal Brompton & Harefield NHS Foundation Trust); PubMed 11997281 (cited by Cardiovascular Biomedical Research Unit, Royal Brompton & Harefield NHS Foundation Trust); PubMed 12402336 (cited by Cardiovascular Biomedical Research Unit, Royal Brompton & Harefield NHS Foundation Trust); PubMed 12829173 (cited by Cardiovascular Biomedical Research Unit, Royal Brompton & Harefield NHS Foundation Trust); PubMed 14661677 (cited by Cardiovascular Biomedical Research Unit, Royal Brompton & Harefield NHS Foundation Trust); PubMed 14760488 (cited by Cardiovascular Biomedical Research Unit, Royal Brompton & Harefield NHS Foundation Trust); PubMed 15599693 (cited by Cardiovascular Biomedical Research Unit, Royal Brompton & Harefield NHS Foundation Trust); PubMed 16116052 (cited by Cardiovascular Biomedical Research Unit, Royal Brompton & Harefield NHS Foundation Trust); PubMed 16132053 (cited by Cardiovascular Biomedical Research Unit, Royal Brompton & Harefield NHS Foundation Trust); PubMed 16487223 (cited by Cardiovascular Biomedical Research Unit, Royal Brompton & Harefield NHS Foundation Trust); PubMed 17161064 (cited by Cardiovascular Biomedical Research Unit, Royal Brompton & Harefield NHS Foundation Trust); PubMed 17210839 (cited by Cardiovascular Biomedical Research Unit, Royal Brompton & Harefield NHS Foundation Trust); PubMed 18060054 (cited by Cardiovascular Biomedical Research Unit, Royal Brompton & Harefield NHS Foundation Trust); PubMed 18222980 (cited by Cardiovascular Biomedical Research Unit, Royal Brompton & Harefield NHS Foundation Trust); PubMed 18808722 (cited by Cardiovascular Biomedical Research Unit, Royal Brompton & Harefield NHS Foundation Trust); PubMed 19841300 (cited by Cardiovascular Biomedical Research Unit, Royal Brompton & Harefield NHS Foundation Trust); PubMed 22581653 (cited by Cardiovascular Biomedical Research Unit, Royal Brompton & Harefield NHS Foundation Trust).

NM_000238.4(KCNH2):c.2690A>C (p.Lys897Thr)

Gene: KCNH2 (potassium voltage-gated channel subfamily H member 2; minus strand). Cytogenetic location: 7q36.1.
Variant type: single nucleotide variant.
Coding change: c.2690A>C on transcript NM_000238.4 (MANE Select); coding-DNA position 2690, A replaced by C.
Protein change: p.Lys897Thr; replaces lysine 897 with threonine.
Molecular consequence: missense variant.
Genome position (GRCh38, 1-based): chr7:150,948,446, T>G on the plus strand (A>C on the coding strand, the complement: KCNH2 is on the minus strand). VCF-style: chr7-150948446-T-G. GRCh37 (hg19) VCF-style: chr7-150645534-T-G.
Other names: c.2690A>C (NM_000238.2, LRG_288t1); c.1670A>C, p.Lys557Thr (NM_172057.3); short protein forms K557T, K897T.
Identifiers: ClinVar variation 67427 (VCV000067427.57), dbSNP rs1805123, ClinGen allele CA007162.
Genomic context (GRCh38, chr7:150,948,446, plus strand): 5'-CCAGCTCCCAGCCTCACCTTGTCCCCGCCCTCCCCCTTCCTCCCCTCCCCCGCCTCACCC[T>G]TGTCCGTGCGCCTGCGGAAGGACAACTTGCGCTTGCGTTGCCGACTGAAGCCACCCTCTA-3'
Protein context (NP_000229.1, residues 887-907): RKLSFRRRTD[Lys897Thr]DTEQPGEVSA